The following is an entry in ClinVar:

ClinVar aggregate classification (germline): Uncertain significance (1 of 4 stars; one submission).

Conditions:
Immunodeficiency 67. Also called: Immunodeficiency due to interleukin-1 receptor-associated kinase-4 deficiency. Identifiers: Orphanet 70592, MedGen C1843256, MONDO:0011888, OMIM 607676.

Submission:

Labcorp Genetics (formerly Invitae), Labcorp
Classification: Uncertain significance for Immunodeficiency 67. Last evaluated: 2024-02-09. Review status: criteria provided, single submitter. Criteria: Invitae Variant Classification Sherloc (09022015). Collection method: clinical testing. Allele origin: germline.
Comment: This variant, c.228_230del, results in the deletion of 1 amino acid(s) of the IRAK4 protein (p.Thr77del), but otherwise preserves the integrity of the reading frame. This variant is not present in population databases (gnomAD no frequency). This variant has been observed in individual(s) with IRAK-4 deficiency (PMID: 23538514). This variant is also known as c.28_30delCAC. Experimental studies and prediction algorithms are not available or were not evaluated, and the functional significance of this variant is currently unknown. In summary, the available evidence is currently insufficient to determine the role of this variant in disease. Therefore, it has been classified as a Variant of Uncertain Significance.

Literature cited by the submitters: PubMed 23538514.

NM_016123.4(IRAK4):c.225CAC[1] (p.Thr77del)

Gene: IRAK4 (interleukin 1 receptor associated kinase 4; plus strand). Cytogenetic location: 12q12.
Variant type: Microsatellite.
Coding change: c.225CAC[1] on transcript NM_016123.4 (MANE Select); one copy of the 3-base unit CAC starting at c.225; the reference has two copies in a row; one copy, 3 bases deleted.
Protein change: p.Thr77del; deletes threonine 77.
Molecular consequence: inframe deletion. On other transcripts: 5 prime UTR variant (4), intron variant (6).
Genome position (GRCh38, 1-based): chr12:43,771,286-43,771,288, CAC deleted; deleting any 3 consecutive bases within chr12:43,771,283-43,771,288 gives the same sequence; the position shown is the placement nearest the transcript's 3' end. VCF-style (leftmost placement, unchanged base first): chr12-43771282-GCAC-G. GRCh37 (hg19) VCF-style: chr12-44165085-GCAC-G.
Other names: c.225CAC[1], p.Thr77del (NM_001114182.3, NM_001351345.2); c.-148CAC[1] (NM_001351339.2, NM_001351340.2, NM_001351341.2 and 1 more transcripts); c.-65-894_-65-892del (NM_001351338.2, NM_001145256.2, NM_001145257.2 and 1 more transcripts); c.-216-894_-216-892del (NM_001351343.2, NM_001351344.2); short protein forms T77del.
Identifiers: ClinVar variation 2137316 (VCV002137316.3), dbSNP rs2540425712, ClinGen allele CA2580615163.
Genomic context (GRCh38, chr12:43,771,282, plus strand): 5'-GATTTGAAGCATTACTTCAAACTGGAAAAAGTCCCACTTCTGAATTACTGTTTGACTGGG[GCAC>G]CACAAATTGCACAGTTGGTGATCTTGTGGATCTTTTGATCCAAAATGAATTTTTTGCTCC-3'